The following is an entry in ClinVar:

NM_004006.3(DMD):c.8553C>A (p.Phe2851Leu)

Gene: DMD (dystrophin; minus strand). Cytogenetic location: Xp21.2.
Variant type: single nucleotide variant.
Coding change: c.8553C>A on transcript NM_004006.3 (MANE Select); coding-DNA position 8553, C replaced by A.
Protein change: p.Phe2851Leu; replaces phenylalanine 2851 with leucine.
Molecular consequence: missense variant.
Genome position (GRCh38, 1-based): chrX:31,479,098, G>T on the plus strand (C>A on the coding strand, the complement: DMD is on the minus strand). VCF-style: chrX-31479098-G-T. GRCh37 (hg19) VCF-style: chrX-31497215-G-T.
Other names: c.8529C>A, p.Phe2843Leu (NM_000109.4); c.8541C>A, p.Phe2847Leu (NM_004009.3); c.8184C>A, p.Phe2728Leu (NM_004010.3); c.4530C>A, p.Phe1510Leu (NM_004011.4); c.4521C>A, p.Phe1507Leu (NM_004012.4); c.1173C>A, p.Phe391Leu (NM_004013.3, NM_004020.4, NM_004021.3 and 2 more transcripts); c.366C>A, p.Phe122Leu (NM_004014.3); short protein forms F1507L, F1510L, F2728L, F2843L, F2847L, F122L, F2851L, F391L.
Identifiers: ClinVar variation 3634799 (VCV003634799.2).

ClinVar aggregate classification (germline): Uncertain significance (1 of 4 stars; one submission).

Conditions:
Duchenne muscular dystrophy (DMD). Also called: MUSCULAR DYSTROPHY, PSEUDOHYPERTROPHIC PROGRESSIVE, DUCHENNE TYPE; Duchenne Muscular Dystrophy (DMD). Identifiers: Orphanet 98896, MedGen C0013264, MONDO:0010679, OMIM 310200.

Submission:

Labcorp Genetics (formerly Invitae), Labcorp
Classification: Uncertain significance for Duchenne muscular dystrophy. Last evaluated: 2024-11-18. Review status: criteria provided, single submitter. Criteria: Invitae Variant Classification Sherloc (09022015). Collection method: clinical testing. Allele origin: germline.
Comment: This sequence change replaces phenylalanine, which is neutral and non-polar, with leucine, which is neutral and non-polar, at codon 2851 of the DMD protein (p.Phe2851Leu). This variant is not present in population databases (gnomAD no frequency). This variant has not been reported in the literature in individuals affected with DMD-related conditions. Invitae Evidence Modeling of protein sequence and biophysical properties (such as structural, functional, and spatial information, amino acid conservation, physicochemical variation, residue mobility, and thermodynamic stability) indicates that this missense variant is not expected to disrupt DMD protein function with a negative predictive value of 95%. In summary, the available evidence is currently insufficient to determine the role of this variant in disease. Therefore, it has been classified as a Variant of Uncertain Significance.